The following is an entry in ClinVar:

NM_001819.3(CHGB):c.1545G>A (p.Arg515=)

Gene: CHGB (chromogranin B; plus strand). Cytogenetic location: 20p12.3.
Variant type: single nucleotide variant.
Coding change: c.1545G>A on transcript NM_001819.3 (MANE Select); coding-DNA position 1545, G replaced by A.
Protein change: p.Arg515=; no amino-acid change (arginine 515 retained).
Molecular consequence: synonymous variant.
Genome position (GRCh38, 1-based): chr20:5,923,689, G>A. VCF-style: chr20-5923689-G-A. GRCh37 (hg19) VCF-style: chr20-5904335-G-A.
Identifiers: ClinVar variation 3035480 (VCV003035480.2), dbSNP rs763648508, ClinGen allele CA9755741.

ClinVar aggregate classification (germline): Likely benign (0 of 4 stars; one submission).

Conditions:
CHGB-related disorder. Also called: CHGB-related condition.

Allele frequency attached by ClinVar (database versions not stated): ExAC 0.00007; gnomAD exomes 0.00007; gnomAD 0.00009; TOPMed 0.00015.

Submission:

PreventionGenetics, part of Exact Sciences
Classification: Likely benign for CHGB-related condition. Last evaluated: 2019-08-05. Review status: no assertion criteria provided. Collection method: clinical testing. Allele origin: germline.
Comment: This variant is classified as likely benign based on ACMG/AMP sequence variant interpretation guidelines (Richards et al. 2015 PMID: 25741868, with internal and published modifications).